The following is an entry in ClinVar:

ClinVar aggregate classification (germline): Likely pathogenic (1 of 4 stars; one submission).

Conditions:
Alport syndrome 3b, autosomal recessive. Identifiers: MedGen C5882699, MONDO:0957811, OMIM 620536.

Submission:

3billion
Classification: Likely pathogenic for Alport syndrome 3b, autosomal recessive. Last evaluated: 2024-11-20. Review status: criteria provided, single submitter. Criteria: ACMG Guidelines, 2015. Collection method: clinical testing. Allele origin: germline. Affected: yes.
Comment: The variant is not observed in the gnomAD v4.1.0 dataset. Predicted Consequence/Location: Missense variant In silico tool predictions suggest damaging effect of the variant on gene or gene product [REVEL: 0.95 (>=0.6, sensitivity 0.68 and specificity 0.92); 3Cnet: 0.94 (>=0.6, sensitivity 0.72 and precision 0.9)]. The different nucleotide change resulting in the same amino acid change has been previously reported to be associated with COL4A3 related disorder(ClinVar ID: VCV002577108).The variant has been reported to be in trans with a pathogenic variant as either compound heterozygous or homozygous in at least one similarly affected unrelated individual (3billion dataset). Therefore, this variant is classified as Likely pathogenic according to the recommendation of ACMG/AMP guideline.

NM_000091.5(COL4A3):c.1150G>C (p.Gly384Arg)

Genes: COL4A3 (collagen type IV alpha 3 chain; plus strand), MFF-DT (MFF divergent transcript; minus strand). Cytogenetic location: 2q36.3.
Variant type: single nucleotide variant.
Coding change: c.1150G>C on transcript NM_000091.5 (MANE Select); coding-DNA position 1150, G replaced by C.
Protein change: p.Gly384Arg; replaces glycine 384 with arginine.
Molecular consequence: missense variant.
Genome position (GRCh38, 1-based): chr2:227,261,117, G>C. VCF-style: chr2-227261117-G-C. GRCh37 (hg19) VCF-style: chr2-228125833-G-C.
Other names: short protein forms G384R.
Identifiers: ClinVar variation 4293533 (VCV004293533.1).
Genomic context (GRCh38, chr2:227,261,117, plus strand): 5'-ATTAATTAATGTTATATATTCCCAGGTCCCAGTGGTCCCCCCGGAGTTCCTGGAAGTCCT[G>C]GTATGTCCATGTTTCTTGGGGTACAAATAGAAATGCTATTACAAAGGAAAATAAGCTGTC-3'
Protein context (NP_000082.2, residues 374-394): SGPPGVPGSP[Gly384Arg]SSRPGLRGAP